The following is an entry in ClinVar:

ClinVar aggregate classification (germline): Conflicting classifications of pathogenicity. Review status: criteria provided, conflicting classifications (1 of 4 stars). 3 submissions from 3 submitters: Uncertain significance (1); Likely benign (2). Last evaluated 2025-05-02.

Conditions:
SMARCC2-related disorder. Also called: SMARCC2-related condition.
Inborn genetic diseases. Identifiers: MedGen C0950123, MeSH D030342.

Allele frequency attached by ClinVar (database versions not stated): ESP Exome Variant Server 0.00015; 1000 Genomes Project 30x 0.00016; gnomAD 0.00019; TOPMed 0.00019; 1000 Genomes Project 0.00020; gnomAD exomes 0.00026; ExAC 0.00027.
gnomAD v4.1: 395 of 1,614,118 alleles (0.024%); highest among the groups gnomAD compares: South Asian, 0.038%; 1 homozygote.

Submissions (3):

PreventionGenetics, part of Exact Sciences
Classification: Uncertain significance for SMARCC2-related condition. Last evaluated: 2025-05-02. Review status: criteria provided, single submitter. Criteria: ACMG Guidelines, 2015. Collection method: clinical testing. Allele origin: germline.
Comment: The SMARCC2 c.2363A>G variant is predicted to result in the amino acid substitution p.Glu788Gly. This variant has been reported in several patients within an autism cohort, however detailed phenotypic information was not provided (Supplementary Table 1, Valencia et al. 2023. PubMed ID: 37500730). This variant is reported in 0.052% of alleles in individuals of South Asian descent in gnomAD. At this time, the clinical significance of this variant is uncertain due to the absence of conclusive functional and genetic evidence.

Laboratory of Genetics, Children's Clinical University Hospital Latvia
Classification: Likely benign. Last evaluated: 2025-02-16. Review status: criteria provided, single submitter. Criteria: ACMG Guidelines, 2015. Collection method: clinical testing. Allele origin: germline. Affected: yes.

Ambry Genetics
Classification: Likely benign for Inborn genetic diseases. Last evaluated: 2021-10-27. Review status: criteria provided, single submitter. Criteria: Ambry Variant Classification Scheme 2023. Collection method: clinical testing. Allele origin: germline.

NM_001330288.2(SMARCC2):c.2456A>G (p.Glu819Gly)

Gene: SMARCC2 (SWI/SNF related BAF chromatin remodeling complex subunit C2; minus strand). Cytogenetic location: 12q13.2.
Variant type: single nucleotide variant.
Coding change: c.2456A>G on transcript NM_001330288.2 (MANE Select); coding-DNA position 2456, A replaced by G.
Protein change: p.Glu819Gly; replaces glutamic acid 819 with glycine.
Molecular consequence: missense variant.
Genome position (GRCh38, 1-based): chr12:56,169,868, T>C on the plus strand (A>G on the coding strand, the complement: SMARCC2 is on the minus strand). VCF-style: chr12-56169868-T-C. GRCh37 (hg19) VCF-style: chr12-56563652-T-C.
Other names: c.2456A>G, p.Glu819Gly (NM_001130420.3, NM_139067.4); c.2363A>G, p.Glu788Gly (NM_003075.5); c.2363A>G (NM_003075.4); short protein forms E819G, E788G.
Identifiers: ClinVar variation 2365865 (VCV002365865.4), dbSNP rs200758361, ClinGen allele CA6625776.
Genomic context (GRCh38, chr12:56,169,868, plus strand): 5'-TTCTCACTGTCGCCTTCTTTCCCTTTCTCCTCATCCTTCTTGGGAGCCTCGCTGGTTTTC[T>C]CTTTTGCTTCCTCCTCTATAGCACCCCCTCCTTCTCGGGGTTCCTGAAATTCCAGTGATA-3'
Protein context (NP_001317217.1, residues 809-829): GGGAIEEEAK[Glu819Gly]KTSEAPKKDE